The following is an entry in ClinVar:

NM_004385.5(VCAN):c.1499C>G (p.Thr500Arg)

Gene: VCAN (versican; plus strand). Cytogenetic location: 5q14.3.
Variant type: single nucleotide variant.
Coding change: c.1499C>G on transcript NM_004385.5 (MANE Select); coding-DNA position 1499, C replaced by G.
Protein change: p.Thr500Arg; replaces threonine 500 with arginine.
Molecular consequence: missense variant. On other transcripts: intron variant (2).
Genome position (GRCh38, 1-based): chr5:83,519,805, C>G. VCF-style: chr5-83519805-C-G. GRCh37 (hg19) VCF-style: chr5-82815624-C-G.
Other names: c.1499C>G, p.Thr500Arg (NM_001164098.2); c.1042+7409C>G (NM_001164097.2, NM_001126336.3); short protein forms T500R.
Identifiers: ClinVar variation 2075427 (VCV002075427.4), dbSNP rs1390722075, ClinGen allele CA360300557.

ClinVar aggregate classification (germline): Uncertain significance (1 of 4 stars; one submission).

Submission:

Labcorp Genetics (formerly Invitae), Labcorp
Classification: Uncertain significance. Last evaluated: 2022-01-05. Review status: criteria provided, single submitter. Criteria: Invitae Variant Classification Sherloc (09022015). Collection method: clinical testing. Allele origin: germline.
Comment: In summary, the available evidence is currently insufficient to determine the role of this variant in disease. Therefore, it has been classified as a Variant of Uncertain Significance. Algorithms developed to predict the effect of sequence changes on RNA splicing suggest that this variant may create or strengthen a splice site. Algorithms developed to predict the effect of missense changes on protein structure and function are either unavailable or do not agree on the potential impact of this missense change (SIFT: "Deleterious"; PolyPhen-2: "Probably Damaging"; Align-GVGD: "Class C0"). This variant has not been reported in the literature in individuals affected with VCAN-related conditions. This variant is not present in population databases (gnomAD no frequency). This sequence change replaces threonine, which is neutral and polar, with arginine, which is basic and polar, at codon 500 of the VCAN protein (p.Thr500Arg).